The following is an entry in ClinVar:

NM_022835.3(PLEKHG2):c.3386T>C (p.Leu1129Pro)

Gene: PLEKHG2 (pleckstrin homology and RhoGEF domain containing G2; plus strand). Cytogenetic location: 19q13.2.
Variant type: single nucleotide variant.
Coding change: c.3386T>C on transcript NM_022835.3 (MANE Select); coding-DNA position 3386, T replaced by C.
Protein change: p.Leu1129Pro; replaces leucine 1129 with proline.
Molecular consequence: missense variant. On other transcripts: intron variant (1).
Genome position (GRCh38, 1-based): chr19:39,424,519, T>C. VCF-style: chr19-39424519-T-C. GRCh37 (hg19) VCF-style: chr19-39915159-T-C.
Other names: c.3386T>C (NM_022835.2); c.3209T>C, p.Leu1070Pro (NM_001351693.2); c.1678-719T>C (NM_001351694.2); short protein forms L1070P, L1129P.
Identifiers: ClinVar variation 1476570 (VCV001476570.8), dbSNP rs761169139, ClinGen allele CA9429980.

ClinVar aggregate classification (germline): Uncertain significance. Review status: criteria provided, multiple submitters, no conflicts (2 of 4 stars). 2 submissions from 2 submitters: Uncertain significance (2). Last evaluated 2025-01-27.

Allele frequency attached by ClinVar (database versions not stated): gnomAD exomes below 0.00001; ExAC 0.00001; gnomAD 0.00001; TOPMed 0.00001.
gnomAD v4.1: 6 of 1,613,984 alleles (0.00037%); highest among the groups gnomAD compares: Admixed American, 0.0083%; no homozygotes.

Submissions (2):

Labcorp Genetics (formerly Invitae), Labcorp
Classification: Uncertain significance. Last evaluated: 2025-01-27. Review status: criteria provided, single submitter. Criteria: Invitae Variant Classification Sherloc (09022015). Collection method: clinical testing. Allele origin: germline.
Comment: This sequence change replaces leucine, which is neutral and non-polar, with proline, which is neutral and non-polar, at codon 1129 of the PLEKHG2 protein (p.Leu1129Pro). This variant is present in population databases (rs761169139, gnomAD 0.003%). This variant has not been reported in the literature in individuals affected with PLEKHG2-related conditions. ClinVar contains an entry for this variant (Variation ID: 1476570). An algorithm developed to predict the effect of missense changes on protein structure and function outputs the following: PolyPhen-2: "Benign". The proline amino acid residue is found in multiple mammalian species, which suggests that this missense change does not adversely affect protein function. In summary, the available evidence is currently insufficient to determine the role of this variant in disease. Therefore, it has been classified as a Variant of Uncertain Significance.

Ambry Genetics
Classification: Uncertain significance. Last evaluated: 2023-03-31. Review status: criteria provided, single submitter. Criteria: Ambry Variant Classification Scheme 2023. Collection method: clinical testing. Allele origin: germline.